The following is an entry in ClinVar:

ClinVar aggregate classification (germline): Pathogenic/Likely pathogenic. Review status: criteria provided, multiple submitters, no conflicts (2 of 4 stars). 5 submissions from 5 submitters: Pathogenic (4); Likely pathogenic (1). Last evaluated 2026-01-08.

Conditions:
Retinoblastoma (RB1). Also called: RETINOBLASTOMA, SOMATIC. Identifiers: Orphanet 790, MedGen C0035335, MeSH D012175, MONDO:0008380, OMIM 180200, HP:0009919. Disease mechanism: loss of function. Inheritance: Both sporadic and heritable forms are tested..
Hereditary cancer-predisposing syndrome. Also called: Tumor predisposition; Hereditary neoplastic syndrome; Neoplastic Syndromes, Hereditary; Hereditary Cancer Syndrome. Identifiers: Orphanet 140162, MedGen C0027672, MeSH D009386, MONDO:0015356.

Submissions (5):

OLLIN Analises Genomicas, OLLIN
Classification: Likely pathogenic for Retinoblastoma. Last evaluated: 2026-01-08. Review status: criteria provided, single submitter. Criteria: ACMG Guidelines 2015 PMID 25741868. Collection method: clinical testing. Allele origin: germline. Affected: yes. Observed: 1 variant allele.
Comment: The nonsense variant (chr13:48379599C>A), located in exon 14 (of 27), is not reported in the gnomAD v4.1 non-UKB databases and was not found in the scientific literature. However, it is reported in the ClinVar database (VCV000818972.14). This variant introduces a premature stop codon, resulting in a truncated protein or mRNA degradation via nonsense-mediated decay (NMD). According to currently available evidence, this variant has been classified as likely pathogenic (PVS1, PM2_P).

Labcorp Genetics (formerly Invitae), Labcorp
Classification: Pathogenic for Retinoblastoma. Last evaluated: 2025-12-02. Review status: criteria provided, single submitter. Criteria: Invitae Variant Classification Sherloc (09022015). Collection method: clinical testing. Allele origin: germline.
Comment: This sequence change creates a premature translational stop signal (p.Tyr446*) in the RB1 gene. It is expected to result in an absent or disrupted protein product. Loss-of-function variants in RB1 are known to be pathogenic (PMID: 17096365). This variant is not present in population databases (gnomAD no frequency). This premature translational stop signal has been observed in individual(s) with retinoblastoma (PMID: 24225018). ClinVar contains an entry for this variant (Variation ID: 818972). For these reasons, this variant has been classified as Pathogenic.

Ambry Genetics
Classification: Pathogenic for Hereditary cancer-predisposing syndrome. Last evaluated: 2025-06-02. Review status: criteria provided, single submitter. Criteria: Ambry Variant Classification Scheme 2023. Collection method: clinical testing. Allele origin: germline.
Comment: The p.Y446* pathogenic mutation (also known as c.1338C>A), located in coding exon 14 of the RB1 gene, results from a C to A substitution at nucleotide position 1338. This changes the amino acid from a tyrosine to a stop codon within coding exon 14. This variant was reported in individual(s) with features consistent with RB1-related hereditary retinoblastoma (Price EA et al. J Med Genet. 2014 Mar;51(3):208-14; Ambry internal data). This variant is considered to be rare based on population cohorts in the Genome Aggregation Database (gnomAD). In addition to the clinical data presented in the literature, this alteration is expected to result in loss of function by premature protein truncation or nonsense-mediated mRNA decay. As such, this alteration is interpreted as a disease-causing mutation.

Baylor Genetics
Classification: Pathogenic for Retinoblastoma. Last evaluated: 2021-03-09. Review status: criteria provided, single submitter. Criteria: ACMG Guidelines, 2015. Collection method: clinical testing. Allele origin: unknown. Affected: yes. Study: CSER-TexasKidsCanSeq.
Comment: This variant was determined to be pathogenic according to ACMG Guidelines, 2015 [PMID:25741868].

ARUP Laboratories, Molecular Genetics and Genomics, ARUP Laboratories
Classification: Pathogenic. Last evaluated: 2020-04-07. Review status: criteria provided, single submitter. Criteria: ARUP Molecular Germline Variant Investigation Process. Collection method: clinical testing. Allele origin: germline.

Literature cited by the submitters: PubMed 17096365 (cited by Labcorp Genetics (formerly Invitae), Labcorp); PubMed 24225018 (cited by Labcorp Genetics (formerly Invitae), Labcorp).

NM_000321.3(RB1):c.1338C>A (p.Tyr446Ter)

Gene: RB1 (RB transcriptional corepressor 1; plus strand). Cytogenetic location: 13q14.2.
Variant type: single nucleotide variant.
Coding change: c.1338C>A on transcript NM_000321.3 (MANE Select); coding-DNA position 1338, C replaced by A.
Protein change: p.Tyr446Ter; replaces tyrosine 446 with a stop codon.
Molecular consequence: nonsense.
Genome position (GRCh38, 1-based): chr13:48,379,599, C>A. VCF-style: chr13-48379599-C-A. GRCh37 (hg19) VCF-style: chr13-48953735-C-A.
Other names: short protein forms Y446*.
Identifiers: ClinVar variation 818972 (VCV000818972.15), dbSNP rs1593455621, ClinGen allele CA388162540.